The following is an entry in ClinVar:

NM_001378120.1(MBD5):c.4336G>A (p.Glu1446Lys)

Gene: MBD5 (methyl-CpG binding domain protein 5; plus strand). Cytogenetic location: 2q23.1.
Variant type: single nucleotide variant.
Coding change: c.4336G>A on transcript NM_001378120.1 (MANE Select); coding-DNA position 4336, G replaced by A.
Protein change: p.Glu1446Lys; replaces glutamic acid 1446 with lysine.
Molecular consequence: missense variant.
Genome position (GRCh38, 1-based): chr2:148,489,968, G>A. VCF-style: chr2-148489968-G-A. GRCh37 (hg19) VCF-style: chr2-149247537-G-A.
Other names: c.3637G>A, p.Glu1213Lys (NM_018328.5); short protein forms E1446K, E1213K.
Identifiers: ClinVar variation 1913622 (VCV001913622.5), dbSNP rs1219291357, ClinGen allele CA348728919.

ClinVar aggregate classification (germline): Uncertain significance (1 of 4 stars; one submission).

Conditions:
Intellectual developmental disorder, autosomal dominant 1. Also called: Intellectual disability, autosomal dominant 1; MBD5 Haploinsufficiency. Identifiers: Orphanet 228402, MedGen C1969562, MONDO:0007974, OMIM 156200.

Allele frequency attached by ClinVar (database versions not stated): gnomAD exomes 0.00001.
gnomAD v4.1: 8 of 1,614,028 alleles (0.0005%); highest among the groups gnomAD compares: East Asian, 0.0022%; no homozygotes.

Submission:

Labcorp Genetics (formerly Invitae), Labcorp
Classification: Uncertain significance for Intellectual developmental disorder, autosomal dominant 1. Last evaluated: 2023-06-05. Review status: criteria provided, single submitter. Criteria: Invitae Variant Classification Sherloc (09022015). Collection method: clinical testing. Allele origin: germline.
Comment: ClinVar contains an entry for this variant (Variation ID: 1913622). This variant has not been reported in the literature in individuals affected with MBD5-related conditions. This variant is present in population databases (no rsID available, gnomAD 0.0009%). This sequence change replaces glutamic acid, which is acidic and polar, with lysine, which is basic and polar, at codon 1213 of the MBD5 protein (p.Glu1213Lys). In summary, the available evidence is currently insufficient to determine the role of this variant in disease. Therefore, it has been classified as a Variant of Uncertain Significance. Experimental studies and prediction algorithms are not available or were not evaluated, and the functional significance of this variant is currently unknown.